The following is an entry in ClinVar:

NM_058216.3(RAD51C):c.966-1G>T

Gene: RAD51C (RAD51 paralog C; plus strand). Cytogenetic location: 17q22.
Variant type: single nucleotide variant.
Coding change: c.966-1G>T on transcript NM_058216.3 (MANE Select); the canonical splice acceptor site of the intron before coding-DNA position 966, G replaced by T.
Molecular consequence: splice acceptor variant.
Genome position (GRCh38, 1-based): chr17:58,732,483, G>T. VCF-style: chr17-58732483-G-T. GRCh37 (hg19) VCF-style: chr17-56809844-G-T.
Identifiers: ClinVar variation 482180 (VCV000482180.32), dbSNP rs876658272, ClinGen allele CA400364828.

ClinVar aggregate classification (germline): Uncertain significance. Review status: criteria provided, multiple submitters, no conflicts (2 of 4 stars). 3 submissions from 3 submitters: Uncertain significance (2). 1 of the submissions does not count toward it. Last evaluated 2025-01-02.

Conditions:
Gastric cancer. Also called: Stomach cancer; Malignant tumor of stomach. Identifiers: MedGen C0024623, MeSH D013274, MONDO:0001056, OMIM 613659, HP:0012126.
Fanconi anemia complementation group O. Also called: RAD51C-Related Fanconi Anemia. Identifiers: Orphanet 84, MedGen C3150653, MONDO:0013248, OMIM 613390.
Hereditary cancer-predisposing syndrome. Also called: Tumor predisposition; Hereditary neoplastic syndrome; Hereditary Cancer Syndrome; Neoplastic Syndromes, Hereditary. Identifiers: Orphanet 140162, MedGen C0027672, MeSH D009386, MONDO:0015356.

Allele frequency attached by ClinVar (database versions not stated): gnomAD exomes below 0.00001.
gnomAD v4.1: 1 of 1,612,028 alleles (0.000062%); no homozygotes.

Submissions (3):

Ambry Genetics
Classification: Uncertain significance for Hereditary cancer-predisposing syndrome. Last evaluated: 2025-01-02. Review status: criteria provided, single submitter. Criteria: Ambry Variant Classification Scheme 2023. Collection method: clinical testing. Allele origin: germline.
Comment: The c.966-1G>T intronic variant results from a G to T substitution one nucleotide upstream from coding exon 8 of the RAD51C gene. This nucleotide position is highly conserved in available vertebrate species. In silico splice site analysis predicts that this alteration will weaken the native splice acceptor site. RNA studies have demonstrated that this alteration results in a transcript predicted to lead to a protein with an in-frame insertion of 1 amino acid; however, the exact functional impact of the inserted amino acid is unknown at this time (Ambry internal data). Since supporting evidence is limited at this time, the clinical significance of this alteration remains unclear.

Labcorp Genetics (formerly Invitae), Labcorp
Classification: Uncertain significance for Fanconi anemia complementation group O. Last evaluated: 2022-01-27. Review status: criteria provided, single submitter. Criteria: Invitae Variant Classification Sherloc (09022015). Collection method: clinical testing. Allele origin: germline.
Comment: This variant is present in population databases (no rsID available, gnomAD 0.01%). This sequence change affects an acceptor splice site in intron 7 of the RAD51C gene. It is expected to disrupt RNA splicing. Variants that disrupt the donor or acceptor splice site typically lead to a loss of protein function (PMID: 16199547), and loss-of-function variants in RAD51C are known to be pathogenic (PMID: 20400964, 21990120, 24800917). This variant has not been reported in the literature in individuals affected with RAD51C-related conditions. In summary, the available evidence is currently insufficient to determine the role of this variant in disease. Therefore, it has been classified as a Variant of Uncertain Significance. Studies have shown that this variant is associated with altered splicing, but the impact on the resulting protein product is unknown (PMID: 33333735). ClinVar contains an entry for this variant (Variation ID: 482180).

Laboratory for Genotyping Development, RIKEN
Classification: Pathogenic for Gastric cancer. Last evaluated: 2021-07-01. Review status: no assertion criteria provided. Collection method: research. Allele origin: germline. Not counted in ClinVar's aggregate classification.

Literature cited by the submitters: PubMed 16199547 (cited by Labcorp Genetics (formerly Invitae), Labcorp); PubMed 20400964 (cited by Labcorp Genetics (formerly Invitae), Labcorp); PubMed 21990120 (cited by Labcorp Genetics (formerly Invitae), Labcorp); PubMed 24800917 (cited by Labcorp Genetics (formerly Invitae), Labcorp); PubMed 33333735 (cited by Labcorp Genetics (formerly Invitae), Labcorp); PubMed 36988593 (cited by Laboratory for Genotyping Development, RIKEN).